The following is an entry in ClinVar:

ClinVar aggregate classification (germline): Uncertain significance (1 of 4 stars; one submission).

Allele frequency attached by ClinVar (database versions not stated): ExAC 0.00001; gnomAD 0.00001; gnomAD exomes 0.00001; TOPMed 0.00001; ESP Exome Variant Server 0.00008.
gnomAD v4.1: 14 of 1,613,996 alleles (0.00087%); highest among the groups gnomAD compares: South Asian, 0.0022%; no homozygotes.

Submission:

Labcorp Genetics (formerly Invitae), Labcorp
Classification: Uncertain significance. Last evaluated: 2022-03-09. Review status: criteria provided, single submitter. Criteria: Invitae Variant Classification Sherloc (09022015). Collection method: clinical testing. Allele origin: germline.
Comment: This sequence change replaces asparagine, which is neutral and polar, with serine, which is neutral and polar, at codon 1872 of the BPTF protein (p.Asn1872Ser). This variant is present in population databases (rs375239645, gnomAD 0.0009%). This variant has not been reported in the literature in individuals affected with BPTF-related conditions. Algorithms developed to predict the effect of missense changes on protein structure and function are either unavailable or do not agree on the potential impact of this missense change (SIFT: "Tolerated"; PolyPhen-2: "Probably Damaging"; Align-GVGD: "Class C0"). In summary, the available evidence is currently insufficient to determine the role of this variant in disease. Therefore, it has been classified as a Variant of Uncertain Significance.

NM_182641.4(BPTF):c.5237A>G (p.Asn1746Ser)

Gene: BPTF (bromodomain PHD finger transcription factor; plus strand). Cytogenetic location: 17q24.2.
Variant type: single nucleotide variant.
Coding change: c.5237A>G on transcript NM_182641.4 (MANE Select); coding-DNA position 5237, A replaced by G.
Protein change: p.Asn1746Ser; replaces asparagine 1746 with serine.
Molecular consequence: missense variant.
Genome position (GRCh38, 1-based): chr17:67,913,121, A>G. VCF-style: chr17-67913121-A-G. GRCh37 (hg19) VCF-style: chr17-65909237-A-G.
Other names: c.5615A>G, p.Asn1872Ser (NM_004459.7); short protein forms N1746S, N1872S.
Identifiers: ClinVar variation 1974597 (VCV001974597.5), dbSNP rs375239645, ClinGen allele CA8725913.